The following is an entry in ClinVar:

NM_006445.4(PRPF8):c.1476T>G (p.Val492=)

Gene: PRPF8 (pre-mRNA processing factor 8; minus strand). Cytogenetic location: 17p13.3.
Variant type: single nucleotide variant.
Coding change: c.1476T>G on transcript NM_006445.4 (MANE Select); coding-DNA position 1476, T replaced by G.
Protein change: p.Val492=; no amino-acid change (valine 492 retained).
Molecular consequence: synonymous variant.
Genome position (GRCh38, 1-based): chr17:1,679,140, A>C on the plus strand (T>G on the coding strand, the complement: PRPF8 is on the minus strand). VCF-style: chr17-1679140-A-C. GRCh37 (hg19) VCF-style: chr17-1582434-A-C.
Other names: c.1476T>G (NM_006445.3).
Identifiers: ClinVar variation 1159752 (VCV001159752.9), dbSNP rs765148447, ClinGen allele CA8272334.

ClinVar aggregate classification (germline): Likely benign. Review status: criteria provided, multiple submitters, no conflicts (2 of 4 stars). 3 submissions from 3 submitters: Likely benign (3). Last evaluated 2026-01-12.

Conditions:
PRPF8-related disorder. Also called: PRPF8-related condition.

Allele frequency attached by ClinVar (database versions not stated): gnomAD exomes below 0.00001 and 0.00003; ExAC 0.00001; gnomAD 0.00001; TOPMed 0.00003.
gnomAD v4.1: 51 of 1,614,072 alleles (0.0032%); highest among the groups gnomAD compares: Non-Finnish European, 0.0042%; no homozygotes.

Submissions (3):

Labcorp Genetics (formerly Invitae), Labcorp
Classification: Likely benign. Last evaluated: 2026-01-12. Review status: criteria provided, single submitter. Criteria: Invitae Variant Classification Sherloc (09022015). Collection method: clinical testing. Allele origin: germline.

PreventionGenetics, part of Exact Sciences
Classification: Likely benign for PRPF8-related condition. Last evaluated: 2025-03-31. Review status: criteria provided, single submitter. Criteria: ACMG Guidelines, 2015. Collection method: clinical testing. Allele origin: germline.
Comment: This variant is classified as likely benign based on ACMG/AMP sequence variant interpretation guidelines (Richards et al. 2015 PMID: 25741868, with internal and published modifications).

Blueprint Genetics
Classification: Likely benign. Last evaluated: 2023-10-09. Review status: criteria provided, single submitter. Criteria: ACMG Guidelines, 2015. Collection method: clinical testing. Allele origin: germline.